The following is an entry in ClinVar:

NM_003611.3(OFD1):c.2669G>A (p.Arg890Gln)

Gene: OFD1 (OFD1 centriole and centriolar satellite protein; plus strand). Cytogenetic location: Xp22.2.
Variant type: single nucleotide variant.
Coding change: c.2669G>A on transcript NM_003611.3 (MANE Select); coding-DNA position 2669, G replaced by A.
Protein change: p.Arg890Gln; replaces arginine 890 with glutamine.
Molecular consequence: missense variant.
Genome position (GRCh38, 1-based): chrX:13,767,196, G>A. VCF-style: chrX-13767196-G-A. GRCh37 (hg19) VCF-style: chrX-13785315-G-A.
Other names: c.2249G>A, p.Arg750Gln (NM_001330210.2); c.2549G>A, p.Arg850Gln (NM_001330209.2); short protein forms R750Q, R850Q, R890Q.
Identifiers: ClinVar variation 978411 (VCV000978411.8), dbSNP rs748643730, ClinGen allele CA10352061.

ClinVar aggregate classification (germline): Conflicting classifications of pathogenicity. Review status: criteria provided, conflicting classifications (1 of 4 stars). 4 submissions from 4 submitters: Uncertain significance (1); Likely benign (2). 1 of the submissions does not count toward it. Last evaluated 2024-11-30.

Conditions:
Rare genetic intellectual disability. Identifiers: Orphanet 183757, MedGen C5680527.
Orofaciodigital syndrome I (OFD1). Also called: Oral-Facial-Digital Syndrome Type I; Papillon-Leage and Psaume Syndrome; OFDS I. Identifiers: Orphanet 2750, MedGen C1510460, MONDO:0010702, OMIM 311200.
Joubert syndrome. Also called: JOUBERT-BOLTSHAUSER SYNDROME; Familial aplasia of the vermis. Identifiers: Orphanet 475, MedGen C5979921, MONDO:0018772.
Primary ciliary dyskinesia. Also called: Ciliary dyskinesia. Identifiers: Orphanet 244, MedGen C0008780, MONDO:0016575, HP:0012265.

Allele frequency attached by ClinVar (database versions not stated): gnomAD exomes 0.00001; ExAC 0.00003; TOPMed 0.00008; gnomAD 0.00009.
gnomAD v4.1: 23 of 1,208,522 alleles (0.0019%); highest among the groups gnomAD compares: African/African-American, 0.033%; no homozygotes.

Submissions (4):

Labcorp Genetics (formerly Invitae), Labcorp
Classification: Uncertain significance for Orofaciodigital syndrome I; Joubert syndrome. Last evaluated: 2024-11-30. Review status: criteria provided, single submitter. Criteria: Invitae Variant Classification Sherloc (09022015). Collection method: clinical testing. Allele origin: germline.
Comment: This sequence change replaces arginine, which is basic and polar, with glutamine, which is neutral and polar, at codon 890 of the OFD1 protein (p.Arg890Gln). This variant is present in population databases (rs748643730, gnomAD 0.05%). This variant has not been reported in the literature in individuals affected with OFD1-related conditions. ClinVar contains an entry for this variant (Variation ID: 978411). Invitae Evidence Modeling of protein sequence and biophysical properties (such as structural, functional, and spatial information, amino acid conservation, physicochemical variation, residue mobility, and thermodynamic stability) indicates that this missense variant is not expected to disrupt OFD1 protein function with a negative predictive value of 80%. In summary, the available evidence is currently insufficient to determine the role of this variant in disease. Therefore, it has been classified as a Variant of Uncertain Significance.

Women's Health and Genetics/Laboratory Corporation of America, LabCorp
Classification: Likely benign. Last evaluated: 2024-10-04. Review status: criteria provided, single submitter. Criteria: LabCorp Variant Classification Summary - May 2015. Collection method: clinical testing. Allele origin: germline.
Comment: Variant summary: OFD1 c.2669G>A (p.Arg890Gln) results in a conservative amino acid change in the encoded protein sequence. Five of five in-silico tools predict a benign effect of the variant on protein function. The variant allele was found at a frequency of 1.9e-05 in 1203471 control chromosomes, predominantly at a frequency of 0.00033 within the African or African-American subpopulation in the gnomAD database (v4.1 dataset), including 6 hemizygotes. To our knowledge, no occurrence of c.2669G>A in individuals affected with Orofaciodigital Syndrome I and no experimental evidence demonstrating its impact on protein function have been reported. ClinVar contains an entry for this variant (Variation ID: 978411). Based on the evidence outlined above, the variant was classified as likely benign.

Ambry Genetics
Classification: Likely benign for Primary ciliary dyskinesia. Last evaluated: 2022-06-24. Review status: criteria provided, single submitter. Criteria: Ambry Variant Classification Scheme 2023. Collection method: clinical testing. Allele origin: germline.

Service de Génétique Moléculaire, Hôpital Robert Debré
Classification: Uncertain significance for Rare genetic intellectual disability. Review status: no assertion criteria provided. Collection method: clinical testing. Allele origin: maternal. Not counted in ClinVar's aggregate classification.